The following is an entry in ClinVar:

NM_153252.5(BRWD3):c.3890C>G (p.Ser1297Cys)

Gene: BRWD3 (bromodomain and WD repeat domain containing 3; minus strand). Cytogenetic location: Xq21.1.
Variant type: single nucleotide variant.
Coding change: c.3890C>G on transcript NM_153252.5 (MANE Select); coding-DNA position 3890, C replaced by G.
Protein change: p.Ser1297Cys; replaces serine 1297 with cysteine.
Molecular consequence: missense variant.
Genome position (GRCh38, 1-based): chrX:80,686,978, G>C on the plus strand (C>G on the coding strand, the complement: BRWD3 is on the minus strand). VCF-style: chrX-80686978-G-C. GRCh37 (hg19) VCF-style: chrX-79942477-G-C.
Other names: short protein forms S1297C.
Identifiers: ClinVar variation 3252603 (VCV003252603.1), dbSNP rs1424531735.

ClinVar aggregate classification (germline): Uncertain significance (1 of 4 stars; one submission).

Allele frequency attached by ClinVar (database versions not stated): TOPMed 0.00001.

Submission:

GeneDx
Classification: Uncertain significance. Last evaluated: 2023-10-03. Review status: criteria provided, single submitter. Criteria: GeneDx Variant Classification Process June 2021. Collection method: clinical testing. Allele origin: germline. Affected: yes.
Comment: Not observed at significant frequency in large population cohorts (gnomAD); In silico analysis supports that this missense variant does not alter protein structure/function; Has not been previously published as pathogenic or benign to our knowledge